The following is an entry in ClinVar:

ClinVar aggregate classification (germline): Uncertain significance (1 of 4 stars; one submission).

Conditions:
Dilated cardiomyopathy 1JJ (CMD1JJ). Identifiers: Orphanet 154, MedGen C3808935, MONDO:0014095, OMIM 615235.

Allele frequency attached by ClinVar (database versions not stated): ExAC 0.00001; gnomAD exomes 0.00001.
gnomAD v4.1: 13 of 1,612,328 alleles (0.00081%); highest among the groups gnomAD compares: Non-Finnish European, 0.0011%; no homozygotes.

Submission:

Labcorp Genetics (formerly Invitae), Labcorp
Classification: Uncertain significance for Dilated cardiomyopathy 1JJ. Last evaluated: 2023-08-22. Review status: criteria provided, single submitter. Criteria: Invitae Variant Classification Sherloc (09022015). Collection method: clinical testing. Allele origin: germline.
Comment: In summary, the available evidence is currently insufficient to determine the role of this variant in disease. Therefore, it has been classified as a Variant of Uncertain Significance. Algorithms developed to predict the effect of missense changes on protein structure and function output the following: SIFT: "Not Available"; PolyPhen-2: "Benign"; Align-GVGD: "Not Available". The threonine amino acid residue is found in multiple mammalian species, which suggests that this missense change does not adversely affect protein function. ClinVar contains an entry for this variant (Variation ID: 1989093). This variant has not been reported in the literature in individuals affected with LAMA4-related conditions. This variant is present in population databases (rs781905270, gnomAD 0.0009%). This sequence change replaces serine, which is neutral and polar, with threonine, which is neutral and polar, at codon 1399 of the LAMA4 protein (p.Ser1399Thr).

NM_001105206.3(LAMA4):c.4216T>A (p.Ser1406Thr)

Gene: LAMA4 (laminin subunit alpha 4; minus strand). Cytogenetic location: 6q21.
Variant type: single nucleotide variant.
Coding change: c.4216T>A on transcript NM_001105206.3 (MANE Select); coding-DNA position 4216, T replaced by A.
Protein change: p.Ser1406Thr; replaces serine 1406 with threonine.
Molecular consequence: missense variant.
Genome position (GRCh38, 1-based): chr6:112,128,993, A>T on the plus strand (T>A on the coding strand, the complement: LAMA4 is on the minus strand). VCF-style: chr6-112128993-A-T. GRCh37 (hg19) VCF-style: chr6-112450195-A-T.
Other names: c.4195T>A, p.Ser1399Thr (NM_001105207.3, NM_002290.5); short protein forms S1406T, S1399T.
Identifiers: ClinVar variation 1989093 (VCV001989093.4), dbSNP rs781905270, ClinGen allele CA3965033.
Genomic context (GRCh38, chr6:112,128,993, plus strand): 5'-GACTTGCTTTAGGCTTGGATAAATTTTTTCCTTTTTTATGGAGGAGAAACAATGGTGAAG[A>T]CTCAATGGGACACTCATAAAGAGAAGTGTGGACCTTTTCAGTATACCGTTGGAAATCTTC-3'
Protein context (NP_001098676.2, residues 1396-1416): HTSLYECPIE[Ser1406Thr]SPLFLLHKKG